The following is an entry in ClinVar:

ClinVar aggregate classification (germline): Uncertain significance (1 of 4 stars; one submission).

Conditions:
Hereditary sensory and autonomic neuropathy type 6. Also called: Neuropathy, hereditary sensory and autonomic, type VI; HSAN VI. Identifiers: Orphanet 314381, MedGen C3539003, MONDO:0013839, OMIM 614653.
Epidermolysis bullosa simplex 3, localized or generalized intermediate, with BP230 deficiency (EBS3). Also called: Epidermolysis bullosa simplex, autosomal recessive 2; Epidermolysis bullosa simplex due to BP230 deficiency. Identifiers: Orphanet 412181, MedGen C3809470, MONDO:0014180, OMIM 615425.

Allele frequency attached by ClinVar (database versions not stated): gnomAD exomes below 0.00001 and 0.00001.
gnomAD v4.1: 3 of 1,612,474 alleles (0.00019%); highest among the groups gnomAD compares: Admixed American, 0.005%; no homozygotes.

Submission:

Labcorp Genetics (formerly Invitae), Labcorp
Classification: Uncertain significance for Epidermolysis bullosa simplex 3, localized or generalized intermediate, with BP230 deficiency; Hereditary sensory and autonomic neuropathy type 6. Last evaluated: 2022-07-19. Review status: criteria provided, single submitter. Criteria: Invitae Variant Classification Sherloc (09022015). Collection method: clinical testing. Allele origin: germline.
Comment: The DST gene has multiple clinically relevant transcripts. This variant occurs in alternate transcript NM_015548.4, and corresponds to NM_001723.5:c.*152388G>T in the primary transcript. This sequence change replaces glycine, which is neutral and non-polar, with cysteine, which is neutral and slightly polar, at codon 5016 of the DST protein (p.Gly5016Cys). This variant is present in population databases (no rsID available, gnomAD 0.003%). This variant has not been reported in the literature in individuals affected with DST-related conditions. Experimental studies and prediction algorithms are not available or were not evaluated, and the functional significance of this variant is currently unknown. In summary, the available evidence is currently insufficient to determine the role of this variant in disease. Therefore, it has been classified as a Variant of Uncertain Significance.

NM_001374736.1(DST):c.22987G>T (p.Gly7663Cys)

Gene: DST (dystonin; minus strand). Cytogenetic location: 6p12.1.
Variant type: single nucleotide variant.
Coding change: c.22987G>T on transcript NM_001374736.1 (MANE Select); coding-DNA position 22987, G replaced by T.
Protein change: p.Gly7663Cys; replaces glycine 7663 with cysteine.
Molecular consequence: missense variant. On other transcripts: intron variant (2).
Genome position (GRCh38, 1-based): chr6:56,463,129, C>A on the plus strand (G>T on the coding strand, the complement: DST is on the minus strand). VCF-style: chr6-56463129-C-A. GRCh37 (hg19) VCF-style: chr6-56327927-C-A.
Other names: c.16558G>T, p.Gly5520Cys (NM_001144769.5); c.16144G>T, p.Gly5382Cys (NM_001144770.2); c.22915G>T, p.Gly7639Cys (NM_001374722.1); c.22942G>T, p.Gly7648Cys (NM_001374734.1); c.15046G>T, p.Gly5016Cys (NM_015548.5); c.16024G>T, p.Gly5342Cys (NM_183380.4); c.15741+436G>T (NM_001374730.1); c.21999+436G>T (NM_001374729.1); short protein forms G5382C, G5342C, G7663C, G5520C, G7639C, G7648C, G5016C.
Identifiers: ClinVar variation 965370 (VCV000965370.5), dbSNP rs1426250382, ClinGen allele CA364504645.